The following is an entry in ClinVar:

ClinVar aggregate classification (germline): Uncertain significance (1 of 4 stars; one submission).

Conditions:
Frontotemporal dementia (FTD1). Also called: WILHELMSEN-LYNCH DISEASE; MULTIPLE SYSTEM TAUOPATHY WITH PRESENILE DEMENTIA; FRONTOTEMPORAL LOBAR DEGENERATION WITH TAU INCLUSIONS; FTLD WITH TAU INCLUSIONS; Frontotemporal lobe dementia (FLDEM); Dementia, frontotemporal, with or without parkinsonism. Identifiers: Orphanet 282, MedGen C0338451, MONDO:0017276, OMIM 600274, HP:0002145.

Allele frequency attached by ClinVar (database versions not stated): TOPMed 0.00001.
gnomAD v4.1: 10 of 1,614,144 alleles (0.00062%); highest among the groups gnomAD compares: Middle Eastern, 0.017%; no homozygotes.

Submission:

Labcorp Genetics (formerly Invitae), Labcorp
Classification: Uncertain significance for Frontotemporal dementia. Last evaluated: 2019-11-14. Review status: criteria provided, single submitter. Criteria: Invitae Variant Classification Sherloc (09022015). Collection method: clinical testing. Allele origin: germline.
Comment: Algorithms developed to predict the effect of missense changes on protein structure and function (SIFT, PolyPhen-2, Align-GVGD) all suggest that this variant is likely to be tolerated, but these predictions have not been confirmed by published functional studies and their clinical significance is uncertain. In summary, the available evidence is currently insufficient to determine the role of this variant in disease. Therefore, it has been classified as a Variant of Uncertain Significance. This variant has not been reported in the literature in individuals with MAPT-related conditions. This variant is not present in population databases (ExAC no frequency). This sequence change replaces proline with leucine at codon 176 of the MAPT protein (p.Pro176Leu). The proline residue is weakly conserved and there is a moderate physicochemical difference between proline and leucine.

NM_001377265.1(MAPT):c.1703C>T (p.Pro568Leu)

Gene: MAPT (microtubule associated protein tau). Cytogenetic location: 17q21.31.
Variant type: single nucleotide variant.
Coding change: c.1703C>T on transcript NM_001377265.1 (MANE Select); coding-DNA position 1703, C replaced by T.
Protein change: p.Pro568Leu; replaces proline 568 with leucine.
Molecular consequence: missense variant. On other transcripts: non-coding transcript variant (1).
Genome position (GRCh38, 1-based): chr17:45,991,557, C>T. VCF-style: chr17-45991557-C-T. GRCh37 (hg19) VCF-style: chr17-44068923-C-T.
Other names: c.1478C>T, p.Pro493Leu (NM_001123066.4, NM_016835.5); c.440C>T, p.Pro147Leu (NM_001123067.4, NM_001203251.2, NM_001377267.1); c.527C>T, p.Pro176Leu (NM_001203252.2, NM_005910.6); c.1505C>T, p.Pro502Leu (NM_001377266.1); c.353C>T, p.Pro118Leu (NM_001377268.1, NM_016834.5, NM_016841.5); short protein forms P176L, P502L, P118L, P147L, P493L, P568L.
Identifiers: ClinVar variation 965918 (VCV000965918.10), dbSNP rs1273925499, ClinGen allele CA399977737.